The following is an entry in ClinVar:

ClinVar aggregate classification (germline): Benign/Likely benign. Review status: criteria provided, multiple submitters, no conflicts (2 of 4 stars). 3 submissions from 3 submitters: Benign (1); Likely benign (1). 1 of the submissions does not count toward it. Last evaluated 2025-12-15.

Conditions:
NSMCE2-related disorder. Also called: NSMCE2-related condition.

Allele frequency attached by ClinVar (database versions not stated): 1000 Genomes Project 30x 0.00094; 1000 Genomes Project 0.00100; TOPMed 0.00146; ESP Exome Variant Server 0.00177; gnomAD 0.00242 and 0.00249; gnomAD exomes 0.00271 and 0.00293; ExAC 0.00296.
gnomAD v4.1: 4,639 of 1,613,340 alleles (0.29%); highest among the groups gnomAD compares: Non-Finnish European, 0.31%; 13 homozygotes.

Submissions (3):

Labcorp Genetics (formerly Invitae), Labcorp
Classification: Benign. Last evaluated: 2025-12-15. Review status: criteria provided, single submitter. Criteria: Invitae Variant Classification Sherloc (09022015). Collection method: clinical testing. Allele origin: germline.

CeGaT Center for Human Genetics Tuebingen
Classification: Likely benign. Last evaluated: 2024-03-01. Review status: criteria provided, single submitter. Criteria: CeGaT Center For Human Genetics Tuebingen Variant Classification Criteria Version 2. Collection method: clinical testing. Allele origin: germline. Affected: yes. Observed: 2 variant alleles.
Comment: NSMCE2: BP4, BP7, BS2

PreventionGenetics, part of Exact Sciences
Classification: Benign for NSMCE2-related condition. Last evaluated: 2019-02-26. Review status: no assertion criteria provided. Collection method: clinical testing. Allele origin: germline. Not counted in ClinVar's aggregate classification.
Comment: This variant is classified as benign based on ACMG/AMP sequence variant interpretation guidelines (Richards et al. 2015 PMID: 25741868, with internal and published modifications).

NM_173685.4(NSMCE2):c.483C>T (p.Thr161=)

Gene: NSMCE2 (NSE2 SUMO ligase component of SMC5/6 complex; plus strand). Cytogenetic location: 8q24.13.
Variant type: single nucleotide variant.
Coding change: c.483C>T on transcript NM_173685.4 (MANE Select); coding-DNA position 483, C replaced by T.
Protein change: p.Thr161=; no amino-acid change (threonine 161 retained).
Molecular consequence: synonymous variant. On other transcripts: non-coding transcript variant (1).
Genome position (GRCh38, 1-based): chr8:125,357,283, C>T. VCF-style: chr8-125357283-C-T. GRCh37 (hg19) VCF-style: chr8-126369525-C-T.
Other names: c.483C>T, p.Thr161= (NM_001349485.2, NM_001349486.2).
Identifiers: ClinVar variation 715013 (VCV000715013.34), dbSNP rs76848984, ClinGen allele CA4874411.